The following is an entry in ClinVar:

ClinVar aggregate classification (germline): Uncertain significance. Review status: criteria provided, multiple submitters, no conflicts (2 of 4 stars). 3 submissions from 3 submitters: Uncertain significance (3). Last evaluated 2026-04-24.

Conditions:
Inborn genetic diseases. Identifiers: MedGen C0950123, MeSH D030342.

Allele frequency attached by ClinVar (database versions not stated): TOPMed 0.00001; ExAC 0.00002; gnomAD 0.00002; gnomAD exomes 0.00002 and 0.00003.
gnomAD v4.1: 27 of 1,585,786 alleles (0.0017%); highest among the groups gnomAD compares: African/African-American, 0.0054%; no homozygotes.

Submissions (3):

Women's Health and Genetics/Laboratory Corporation of America, LabCorp
Classification: Uncertain significance. Last evaluated: 2026-04-24. Review status: criteria provided, single submitter. Criteria: LabCorp Variant Classification Summary - May 2015. Collection method: clinical testing. Allele origin: germline.
Comment: Variant summary: DLL1 c.1300G>A (p.Gly434Ser) results in a non-conservative amino acid change located in the EGF-like domain (IPR000742) of the encoded protein sequence. Algorithms developed to predict the effect of missense changes on protein structure and function all suggest that this variant is likely to be disruptive. The variant allele was found at a frequency of 3.5e-05 in 202404 control chromosomes. The available data on variant occurrences in the general population are insufficient to allow any conclusion about variant significance. To our knowledge, no occurrence of c.1300G>A in individuals affected with DLL1-related conditions and no experimental evidence demonstrating its impact on protein function have been reported. ClinVar contains an entry for this variant (Variation ID: 1483384). Based on the evidence outlined above, the variant was classified as uncertain significance.

Labcorp Genetics (formerly Invitae), Labcorp
Classification: Uncertain significance. Last evaluated: 2025-07-03. Review status: criteria provided, single submitter. Criteria: Invitae Variant Classification Sherloc (09022015). Collection method: clinical testing. Allele origin: germline.
Comment: This sequence change replaces glycine, which is neutral and non-polar, with serine, which is neutral and polar, at codon 434 of the DLL1 protein (p.Gly434Ser). The frequency data for this variant in the population databases is considered unreliable, as metrics indicate poor data quality at this position in the gnomAD database. This variant has not been reported in the literature in individuals affected with DLL1-related conditions. ClinVar contains an entry for this variant (Variation ID: 1483384). An algorithm developed to predict the effect of missense changes on protein structure and function (PolyPhen-2) suggests that this variant is likely to be disruptive. In summary, the available evidence is currently insufficient to determine the role of this variant in disease. Therefore, it has been classified as a Variant of Uncertain Significance.

Ambry Genetics
Classification: Uncertain significance for Inborn genetic diseases. Last evaluated: 2021-06-22. Review status: criteria provided, single submitter. Criteria: Ambry Variant Classification Scheme 2023. Collection method: clinical testing. Allele origin: germline.

NM_005618.4(DLL1):c.1300G>A (p.Gly434Ser)

Gene: DLL1 (delta like canonical Notch ligand 1; minus strand). Cytogenetic location: 6q27.
Variant type: single nucleotide variant.
Coding change: c.1300G>A on transcript NM_005618.4 (MANE Select); coding-DNA position 1300, G replaced by A.
Protein change: p.Gly434Ser; replaces glycine 434 with serine.
Molecular consequence: missense variant.
Genome position (GRCh38, 1-based): chr6:170,283,979, C>T on the plus strand (G>A on the coding strand, the complement: DLL1 is on the minus strand). VCF-style: chr6-170283979-C-T. GRCh37 (hg19) VCF-style: chr6-170593067-C-T.
Other names: c.1300G>A (NM_005618.3); short protein forms G434S.
Identifiers: ClinVar variation 1483384 (VCV001483384.8), dbSNP rs762016479, ClinGen allele CA4106866.